The following is an entry in ClinVar:

NM_006912.6(RIT1):c.212_213del (p.Leu71fs)

Gene: RIT1 (Ras like without CAAX 1; minus strand). Cytogenetic location: 1q22.
Variant type: Deletion.
Coding change: c.212_213del on transcript NM_006912.6 (MANE Select); coding-DNA positions 212 to 213, 2 bases deleted (TG; older notation c.212_213delTG).
Protein change: p.Leu71fs; shifts the reading frame from leucine 71.
Molecular consequence: frameshift variant.
Genome position (GRCh38, 1-based): chr1:155,904,755-155,904,756, CA deleted on the plus strand (TG on the coding strand, the reverse complement: RIT1 is on the minus strand). VCF-style (leftmost placement, unchanged base first): chr1-155904754-CCA-C. GRCh37 (hg19) VCF-style: chr1-155874545-CCA-C.
Other names: c.104_105del, p.Leu35fs (NM_001256820.2); c.263_264del, p.Leu88fs (NM_001256821.2); short protein forms L35fs, L88fs, L71fs.
Identifiers: ClinVar variation 2010050 (VCV002010050.4), dbSNP rs2527182295, ClinGen allele CA2580061150.

ClinVar aggregate classification (germline): Uncertain significance (1 of 4 stars; one submission).

Conditions:
Noonan syndrome 8 (NS8). Identifiers: Orphanet 648, MedGen C3809233, MONDO:0014143, OMIM 615355.

Submission:

Labcorp Genetics (formerly Invitae), Labcorp
Classification: Uncertain significance for Noonan syndrome 8. Last evaluated: 2022-06-24. Review status: criteria provided, single submitter. Criteria: Invitae Variant Classification Sherloc (09022015). Collection method: clinical testing. Allele origin: germline.
Comment: In summary, the available evidence is currently insufficient to determine the role of this variant in disease. Therefore, it has been classified as a Variant of Uncertain Significance. This variant has not been reported in the literature in individuals affected with RIT1-related conditions. This variant is not present in population databases (gnomAD no frequency). This sequence change creates a premature translational stop signal (p.Leu71Argfs*39) in the RIT1 gene. It is expected to result in an absent or disrupted protein product. However, the current clinical and genetic evidence is not sufficient to establish whether loss-of-function variants in RIT1 cause disease.